The following is an entry in ClinVar:

NM_001122955.4(BSCL2):c.268A>T (p.Arg90Trp)

Genes: BSCL2 (BSCL2 lipid droplet biogenesis associated, seipin; minus strand), HNRNPUL2-BSCL2 (HNRNPUL2-BSCL2 readthrough (NMD candidate); minus strand). Cytogenetic location: 11q12.3.
Variant type: single nucleotide variant.
Coding change: c.268A>T on transcript NM_001122955.4 (MANE Select); coding-DNA position 268, A replaced by T.
Protein change: p.Arg90Trp; replaces arginine 90 with tryptophan.
Molecular consequence: missense variant. On other transcripts: non-coding transcript variant (1).
Genome position (GRCh38, 1-based): chr11:62,705,437, T>A on the plus strand (A>T on the coding strand, the complement: BSCL2 is on the minus strand). VCF-style: chr11-62705437-T-A. GRCh37 (hg19) VCF-style: chr11-62472909-T-A.
Other names: c.76A>T, p.Arg26Trp (NM_001130702.2, NM_032667.6); c.268A>T, p.Arg90Trp (NM_001386027.1, NM_001386028.1); short protein forms R90W, R26W.
Identifiers: ClinVar variation 1450246 (VCV001450246.8), dbSNP rs1428360757, ClinGen allele CA380970691.

ClinVar aggregate classification (germline): Uncertain significance (1 of 4 stars; one submission).

Conditions:
Charcot-Marie-Tooth disease type 2. Also called: Charcot-Marie-Tooth type 2. Identifiers: Orphanet 64746, MedGen C0270914, MONDO:0018993.

Submission:

Labcorp Genetics (formerly Invitae), Labcorp
Classification: Uncertain significance for Charcot-Marie-Tooth disease type 2. Last evaluated: 2021-06-17. Review status: criteria provided, single submitter. Criteria: Invitae Variant Classification Sherloc (09022015). Collection method: clinical testing. Allele origin: germline.
Comment: In summary, the available evidence is currently insufficient to determine the role of this variant in disease. Therefore, it has been classified as a Variant of Uncertain Significance. Algorithms developed to predict the effect of missense changes on protein structure and function are either unavailable or do not agree on the potential impact of this missense change (SIFT: "Deleterious"; PolyPhen-2: "Benign"; Align-GVGD: "Class C15"). This variant has not been reported in the literature in individuals with BSCL2-related conditions. This variant is not present in population databases (ExAC no frequency). This sequence change replaces arginine with tryptophan at codon 26 of the BSCL2 protein (p.Arg26Trp). The arginine residue is moderately conserved and there is a moderate physicochemical difference between arginine and tryptophan.